The following is an entry in ClinVar:

NM_015512.5(DNAH1):c.9995A>T (p.His3332Leu)

Gene: DNAH1 (dynein axonemal heavy chain 1; plus strand). Cytogenetic location: 3p21.1.
Variant type: single nucleotide variant.
Coding change: c.9995A>T on transcript NM_015512.5 (MANE Select); coding-DNA position 9995, A replaced by T.
Protein change: p.His3332Leu; replaces histidine 3332 with leucine.
Molecular consequence: missense variant.
Genome position (GRCh38, 1-based): chr3:52,391,546, A>T. VCF-style: chr3-52391546-A-T. GRCh37 (hg19) VCF-style: chr3-52425562-A-T.
Other names: short protein forms H3332L.
Identifiers: ClinVar variation 2085018 (VCV002085018.3), dbSNP rs375864851, ClinGen allele CA2435671.

ClinVar aggregate classification (germline): Uncertain significance (1 of 4 stars; one submission).

Conditions:
Spermatogenic failure 18. Identifiers: MedGen C4539783, MONDO:0054615, OMIM 617576.
Ciliary dyskinesia, primary, 37 (CILD37). Also called: CILIARY DYSKINESIA, PRIMARY, 37, WITH OR WITHOUT SITUS INVERSUS. Identifiers: MedGen C4539798, MONDO:0033204, OMIM 617577.

Allele frequency attached by ClinVar (database versions not stated): gnomAD exomes 0.00003; 1000 Genomes Project 30x 0.00031; gnomAD 0.00006; 1000 Genomes Project 0.00020; TOPMed 0.00002; ExAC 0.00003; ESP Exome Variant Server 0.00008.
gnomAD v4.1: 55 of 1,472,020 alleles (0.0037%); highest among the groups gnomAD compares: Non-Finnish European, 0.0047%; no homozygotes.

Submission:

Labcorp Genetics (formerly Invitae), Labcorp
Classification: Uncertain significance for Ciliary dyskinesia, primary, 37; Spermatogenic failure 18. Last evaluated: 2025-03-05. Review status: criteria provided, single submitter. Criteria: Invitae Variant Classification Sherloc (09022015). Collection method: clinical testing. Allele origin: germline.
Comment: This sequence change replaces histidine, which is basic and polar, with leucine, which is neutral and non-polar, at codon 3332 of the DNAH1 protein (p.His3332Leu). The frequency data for this variant in the population databases is considered unreliable, as metrics indicate poor data quality at this position in the gnomAD database. This variant has not been reported in the literature in individuals affected with DNAH1-related conditions. ClinVar contains an entry for this variant (Variation ID: 2085018). Invitae Evidence Modeling of protein sequence and biophysical properties (such as structural, functional, and spatial information, amino acid conservation, physicochemical variation, residue mobility, and thermodynamic stability) indicates that this missense variant is not expected to disrupt DNAH1 protein function with a negative predictive value of 80%. In summary, the available evidence is currently insufficient to determine the role of this variant in disease. Therefore, it has been classified as a Variant of Uncertain Significance.